The following is an entry in ClinVar:

ClinVar aggregate classification (germline): Benign. Review status: reviewed by expert panel (3 of 4 stars). 29 submissions from 28 submitters: Benign (1). 28 of the submissions do not count toward it. Last evaluated 2015-01-12.

Conditions:
Breast and/or ovarian cancer. Identifiers: MedGen CN221562.
Hereditary cancer-predisposing syndrome. Also called: Tumor predisposition; Neoplastic Syndromes, Hereditary; Hereditary neoplastic syndrome; Hereditary Cancer Syndrome. Identifiers: Orphanet 140162, MedGen C0027672, MeSH D009386, MONDO:0015356.
Hereditary breast ovarian cancer syndrome. Also called: Hereditary breast and ovarian cancer; BRCA1- and BRCA2-Associated Hereditary Breast and Ovarian Cancer; Hereditary breast and/or ovarian cancer syndrome; Hereditary breast and ovarian cancer syndrome; Breast and ovarian cancer; Hereditary breast and ovarian cancer syndrome (HBOC). Identifiers: Orphanet 145, MedGen C0677776, MeSH D061325, MONDO:0003582. Disease mechanism: loss of function.
Breast-ovarian cancer, familial, susceptibility to, 2 (BROVCA2). Also called: BRCA2 Hereditary Breast and Ovarian Cancer. Identifiers: Orphanet 145, MedGen C2675520, MONDO:0012933, OMIM 612555. Disease mechanism: loss of function.
Familial cancer of breast. Also called: BREAST CANCER, FAMILIAL; hereditary breast carcinoma; Hereditary breast cancer. Identifiers: Orphanet 227535, MedGen C0346153, MONDO:0016419, OMIM 114480. Disease mechanism: loss of function.

Allele frequency attached by ClinVar (database versions not stated): 1000 Genomes Project 30x 0.00390; 1000 Genomes Project 0.00439; TOPMed 0.00539; gnomAD 0.00583 and 0.00597; ESP Exome Variant Server 0.00592; gnomAD exomes 0.00659 and 0.00811; ExAC 0.00765.
gnomAD v4.1: 12,676 of 1,609,366 alleles (0.79%); highest among the groups gnomAD compares: Non-Finnish European, 0.89%; 72 homozygotes.

Submissions 1 to 25 of 29:

Evidence-based Network for the Interpretation of Germline Mutant Alleles (ENIGMA)
Classification: Benign for Breast-ovarian cancer, familial 2. Last evaluated: 2015-01-12. Review status: reviewed by expert panel. Criteria: ENIGMA BRCA1/2 Classification Criteria (2015). Collection method: curation. Allele origin: germline.
Comment: Class 1 not pathogenic based on frequency >1% in an outbred sampleset. Frequency 0.01055 (European), derived from 1000 genomes (2012-04-30).

Labcorp Genetics (formerly Invitae), Labcorp
Classification: Benign for Hereditary breast ovarian cancer syndrome. Last evaluated: 2026-02-04. Review status: criteria provided, single submitter. Criteria: Invitae Variant Classification Sherloc (09022015). Collection method: clinical testing. Allele origin: germline. Not counted in ClinVar's aggregate classification.

ARUP Laboratories, Molecular Genetics and Genomics, ARUP Laboratories
Classification: Benign. Last evaluated: 2025-07-14. Review status: criteria provided, single submitter. Criteria: ARUP Molecular Germline Variant Investigation Process 2024. Collection method: clinical testing. Allele origin: germline. Not counted in ClinVar's aggregate classification.

Center for Genomic Medicine, Rigshospitalet, Copenhagen University Hospital
Classification: Benign. Last evaluated: 2025-03-04. Review status: criteria provided, single submitter. Criteria: ACMG Guidelines, 2015. Collection method: clinical testing. Allele origin: germline. Not counted in ClinVar's aggregate classification.

KCCC/NGS Laboratory, Kuwait Cancer Control Center
Classification: Benign for Familial cancer of breast. Last evaluated: 2025-02-01. Review status: criteria provided, single submitter. Criteria: ACMG Guidelines, 2015. Collection method: clinical testing. Allele origin: germline. Affected: no. Not counted in ClinVar's aggregate classification.

Blueprint Genetics
Classification: Likely benign. Last evaluated: 2024-11-27. Review status: criteria provided, single submitter. Criteria: ACMG Guidelines, 2015. Collection method: clinical testing. Allele origin: germline. Not counted in ClinVar's aggregate classification.

Mayo Clinic Laboratories, Mayo Clinic
Classification: Benign. Last evaluated: 2023-11-24. Review status: criteria provided, single submitter. Criteria: ACMG Guidelines, 2015. Collection method: clinical testing. Allele origin: germline. Observed: 46 variant alleles. Not counted in ClinVar's aggregate classification.
Comment: BA1, BP4, BP6, BP7

KCCC/NGS Laboratory, Kuwait Cancer Control Center
Classification: Benign for Breast-ovarian cancer, familial, susceptibility to, 2. Last evaluated: 2023-07-07. Review status: criteria provided, single submitter. Criteria: ACMG Guidelines, 2015. Collection method: clinical testing. Allele origin: germline. Affected: yes. Not counted in ClinVar's aggregate classification.

National Health Laboratory Service, Universitas Academic Hospital and University of the Free State
Classification: Benign for Hereditary breast ovarian cancer syndrome. Last evaluated: 2022-04-19. Review status: criteria provided, single submitter. Criteria: ACMG Guidelines, 2015. Collection method: clinical testing. Allele origin: germline. Affected: yes. Observed: 20 variant alleles. Not counted in ClinVar's aggregate classification.

CHEO Genetics Diagnostic Laboratory, Children's Hospital of Eastern Ontario
Classification: Benign for Breast and/or ovarian cancer. Last evaluated: 2021-04-28. Review status: criteria provided, single submitter. Criteria: ACMG Guidelines, 2015. Collection method: clinical testing. Allele origin: germline. Not counted in ClinVar's aggregate classification.

Cancer Genetics and Genomics Laboratory, British Columbia Cancer Agency
Classification: Benign. Last evaluated: 2017-04-18. Review status: criteria provided, single submitter. Criteria: ACMG Guidelines, 2015. Collection method: clinical testing. Allele origin: germline. Study: The Canadian Open Genetics Repository (COGR). Not counted in ClinVar's aggregate classification.

Baylor Genetics
Classification: Benign for Familial cancer of breast. Last evaluated: 2017-02-23. Review status: criteria provided, single submitter. Criteria: ACMG Guidelines, 2015. Collection method: clinical testing. Allele origin: germline. Inheritance: Autosomal dominant inheritance. Affected: no. Not counted in ClinVar's aggregate classification.

Fulgent Genetics
Classification: Benign for Breast-ovarian cancer, familial, susceptibility to, 2. Last evaluated: 2016-02-22. Review status: criteria provided, single submitter. Criteria: ACMG Guidelines, 2015. Collection method: clinical testing. Allele origin: unknown. Not counted in ClinVar's aggregate classification.

Eurofins Ntd Llc (ga)
Classification: Benign. Last evaluated: 2015-10-13. Review status: criteria provided, single submitter. Criteria: EGL Classification Definitions 2015. Collection method: clinical testing. Allele origin: germline. Observed: 7 variant alleles, 7 heterozygotes. Not counted in ClinVar's aggregate classification.

Clinical Genetics DNA and cytogenetics Diagnostics Lab, Erasmus MC, Erasmus Medical Center
Classification: Benign for Breast-ovarian cancer, familial, susceptibility to, 2. Last evaluated: 2015-09-21. Review status: criteria provided, single submitter. Criteria: ACGS Guidelines, 2013. Collection method: clinical testing. Allele origin: germline. Affected: yes. Study: VKGL Data-share Consensus. Not counted in ClinVar's aggregate classification.

Color Diagnostics, LLC DBA Color Health
Classification: Benign for Hereditary cancer-predisposing syndrome. Last evaluated: 2014-12-09. Review status: criteria provided, single submitter. Criteria: ACMG Guidelines, 2015. Collection method: clinical testing. Allele origin: germline. Not counted in ClinVar's aggregate classification.

Molecular Genetics Laboratory, University of Michigan
Classification: Benign for Breast-ovarian cancer, familial, susceptibility to, 2. Last evaluated: 2014-11-03. Review status: criteria provided, single submitter. Criteria: ACMG Guidelines, 2015. Collection method: clinical testing. Allele origin: germline. Affected: yes. Not counted in ClinVar's aggregate classification.

Genome Diagnostics Laboratory, University Medical Center Utrecht
Classification: Benign for Breast-ovarian cancer, familial, susceptibility to, 2. Last evaluated: 2014-10-09. Review status: criteria provided, single submitter. Criteria: ACGS Guidelines, 2013. Collection method: clinical testing. Allele origin: germline. Affected: yes. Study: VKGL Data-share Consensus. Not counted in ClinVar's aggregate classification.

Ambry Genetics
Classification: Benign for Hereditary cancer-predisposing syndrome. Last evaluated: 2014-09-15. Review status: criteria provided, single submitter. Criteria: Ambry Variant Classification Scheme 2023. Collection method: clinical testing. Allele origin: germline. Not counted in ClinVar's aggregate classification.

Women's Health and Genetics/Laboratory Corporation of America, LabCorp
Classification: Benign for Hereditary breast ovarian cancer syndrome. Last evaluated: 2014-02-03. Review status: criteria provided, single submitter. Criteria: LabCorp Variant Classification Summary - May 2015. Collection method: clinical testing. Allele origin: germline. Not counted in ClinVar's aggregate classification.

PreventionGenetics, part of Exact Sciences
Classification: Benign. Review status: criteria provided, single submitter. Criteria: ACMG Guidelines, 2015. Collection method: clinical testing. Allele origin: germline. Not counted in ClinVar's aggregate classification.

Counsyl
Classification: Benign for Breast-ovarian cancer, familial 2. Last evaluated: 2014-04-10. Review status: no assertion criteria provided. Collection method: literature only. Allele origin: unknown. Inheritance: Autosomal dominant inheritance. Not counted in ClinVar's aggregate classification.

Sharing Clinical Reports Project (SCRP)
Classification: Benign for Breast-ovarian cancer, familial 2. Last evaluated: 2011-03-15. Review status: no assertion criteria provided. Collection method: clinical testing. Allele origin: germline. Not counted in ClinVar's aggregate classification.

Breast Cancer Information Core (BIC) (BRCA2)
Classification: Uncertain significance for Breast-ovarian cancer, familial 2. Last evaluated: 2002-05-29. Review status: no assertion criteria provided. Collection method: clinical testing. Allele origin: germline. Affected: yes. Observed: 11 variant alleles. Not counted in ClinVar's aggregate classification.

Clinical Genetics Laboratory, Department of Pathology, Netherlands Cancer Institute
Classification: Benign. Review status: no assertion criteria provided. Collection method: clinical testing. Allele origin: germline. Affected: yes. Study: VKGL Data-share Consensus. Not counted in ClinVar's aggregate classification.

NM_000059.4(BRCA2):c.9257-16T>C

Gene: BRCA2 (BRCA2 DNA repair associated; plus strand). Cytogenetic location: 13q13.1.
Variant type: single nucleotide variant.
Coding change: c.9257-16T>C on transcript NM_000059.4 (MANE Select); 16 bases into the intron before coding-DNA position 9257, T replaced by C.
Molecular consequence: intron variant.
Genome position (GRCh38, 1-based): chr13:32,394,673, T>C. VCF-style: chr13-32394673-T-C. GRCh37 (hg19) VCF-style: chr13-32968810-T-C.
Other names: IVS 24-16T>C; p.?; IVS24-16T>C.
Identifiers: ClinVar variation 52790 (VCV000052790.69), dbSNP rs11571818, ClinGen allele CA026062.